The following is an entry in ClinVar:

ClinVar aggregate classification (germline): Likely benign (1 of 4 stars; one submission).

Conditions:
Cardiomyopathy (CMYO). Also called: Cardiomyopathies. Identifiers: Orphanet 167848, MedGen C0878544, MONDO:0004994, HP:0001638. Inheritance: Various modes of inheritance.

Allele frequency attached by ClinVar (database versions not stated): gnomAD exomes 0.00001.
gnomAD v4.1: 10 of 1,614,210 alleles (0.00062%); highest among the groups gnomAD compares: Non-Finnish European, 0.00085%; no homozygotes.

Submission:

All of Us Research Program, National Institutes of Health
Classification: Likely benign for Cardiomyopathy. Last evaluated: 2024-02-05. Review status: criteria provided, single submitter. Criteria: ACMG Guidelines, 2015. Collection method: clinical testing. Allele origin: germline. Inheritance: Autosomal dominant inheritance. Observed: 1 variant allele, 1 heterozygote.
Comment: This study involves interpretation of variants in research participants for the purpose of population health screening. Participant phenotype was not available at the time of variant classification. Additional details can be found in publication PMID: 35346344, PMCID: PMC8962531

NM_000257.4(MYH7):c.1258-3C>A

Gene: MYH7 (myosin heavy chain 7; minus strand). Cytogenetic location: 14q11.2.
Variant type: single nucleotide variant.
Coding change: c.1258-3C>A on transcript NM_000257.4 (MANE Select); 3 bases into the intron before coding-DNA position 1258, C replaced by A.
Molecular consequence: intron variant.
Genome position (GRCh38, 1-based): chr14:23,429,107, G>T on the plus strand (C>A on the coding strand, the complement: MYH7 is on the minus strand). VCF-style: chr14-23429107-G-T. GRCh37 (hg19) VCF-style: chr14-23898316-G-T.
Other names: c.1258-3C>A (NM_001407004.1).
Identifiers: ClinVar variation 3075469 (VCV003075469.1), dbSNP rs2502302499, ClinGen allele CA2500838517.